The following is an entry in ClinVar:

NM_001105247.2(ARMC5):c.2704C>T (p.Leu902=)

Gene: ARMC5 (armadillo repeat containing 5; plus strand). Cytogenetic location: 16p11.2.
Variant type: single nucleotide variant.
Coding change: c.2704C>T on transcript NM_001105247.2 (MANE Select); coding-DNA position 2704, C replaced by T.
Protein change: p.Leu902=; no amino-acid change (leucine 902 retained).
Molecular consequence: synonymous variant. On other transcripts: 3 prime UTR variant (1).
Genome position (GRCh38, 1-based): chr16:31,466,785, C>T. VCF-style: chr16-31466785-C-T. GRCh37 (hg19) VCF-style: chr16-31478106-C-T.
Other names: c.2989C>T, p.Leu997= (NM_001288767.2); c.2800C>T, p.Leu934= (NM_001301820.1); c.*1584C>T (NM_024742.2).
Identifiers: ClinVar variation 3036508 (VCV003036508.2), dbSNP rs758701443, ClinGen allele CA8030071.

ClinVar aggregate classification (germline): Likely benign (0 of 4 stars; one submission).

Conditions:
ARMC5-related disorder. Also called: ARMC5-related condition.

Allele frequency attached by ClinVar (database versions not stated): ExAC 0.00004; gnomAD 0.00005; TOPMed 0.00005; gnomAD exomes 0.00011.
gnomAD v4.1: 156 of 1,584,864 alleles (0.0098%); highest among the groups gnomAD compares: Non-Finnish European, 0.013%; no homozygotes.

Submission:

PreventionGenetics, part of Exact Sciences
Classification: Likely benign for ARMC5-related condition. Last evaluated: 2022-02-08. Review status: no assertion criteria provided. Collection method: clinical testing. Allele origin: germline.
Comment: This variant is classified as likely benign based on ACMG/AMP sequence variant interpretation guidelines (Richards et al. 2015 PMID: 25741868, with internal and published modifications).